The following is an entry in ClinVar:

NM_002055.5(GFAP):c.906+3G>A

Gene: GFAP (glial fibrillary acidic protein; minus strand). Cytogenetic location: 17q21.31.
Variant type: single nucleotide variant.
Coding change: c.906+3G>A on transcript NM_002055.5 (MANE Select); 3 bases into the intron after coding-DNA position 906, G replaced by A.
Molecular consequence: intron variant.
Genome position (GRCh38, 1-based): chr17:44,911,669, C>T on the plus strand (G>A on the coding strand, the complement: GFAP is on the minus strand). VCF-style: chr17-44911669-C-T. GRCh37 (hg19) VCF-style: chr17-42989037-C-T.
Other names: c.906+3G>A (NM_001363846.2, NM_001131019.3, NM_001242376.3).
Identifiers: ClinVar variation 755296 (VCV000755296.7), dbSNP rs200366454, ClinGen allele CA8608835.

ClinVar aggregate classification (germline): Likely benign. Review status: reviewed by expert panel (3 of 4 stars). 2 submissions from 2 submitters: Likely benign (1). 1 of the submissions does not count toward it. Last evaluated 2026-08-18.

Conditions:
Alexander disease (ALXDRD). Also called: Alexander's disease. Identifiers: Orphanet 58, MedGen C0270726, MONDO:0008752, OMIM 203450.

Allele frequency attached by ClinVar (database versions not stated): gnomAD exomes below 0.00001 and 0.00001; ExAC 0.00001; gnomAD 0.00001; TOPMed 0.00001; 1000 Genomes Project 30x 0.00031; 1000 Genomes Project 0.00040.
gnomAD v4.1: 3 of 1,612,468 alleles (0.00019%); highest among the groups gnomAD compares: East Asian, 0.0067%; no homozygotes.

Submissions (2):

ClinGen Leukodystrophy and Leukoencephalopathy Variant Curation Expert Panel, ClinGen
Classification: Likely benign for Alexander disease. Last evaluated: 2026-08-18. Review status: reviewed by expert panel. Criteria: ClinGen Leuko ACMG Specifications GFAP V1.0. Collection method: curation. Allele origin: germline. Inheritance: Autosomal dominant inheritance.
Comment: The c.906+3G>A variant in GFAP is a splice site variant. The GrpMax filtering allele frequency in gnomAD v4.1.0 is 0.00001773 from the East Asian genetic ancestry group (the lower threshold of the 95% CI of 3/44882 alleles), which is higher than the ClinGen Leukodystrophy and Leukoencephalopathy Expert Panel Specifications to the ACMG/AMP Variant Interpretation Guidelines for GFAP Version 1.0.0 threshold ≥ 0.001% for BS1, and therefore meets this criterion (BS1). In summary, this variant meets the criteria to be classified as likely benign based on the ACMG/AMP criteria applied, as specified by the ClinGen Leukodystrophy and Leukoencephalopathy VCEP: BS1 (ClinGen Leukodystrophy and Leukoencephalopathy VCEP Specifications Version 1.0.0).

Labcorp Genetics (formerly Invitae), Labcorp
Classification: Likely benign. Last evaluated: 2023-02-20. Review status: criteria provided, single submitter. Criteria: Invitae Variant Classification Sherloc (09022015). Collection method: clinical testing. Allele origin: germline. Not counted in ClinVar's aggregate classification.